The following is an entry in ClinVar:

ClinVar aggregate classification (germline): Pathogenic (1 of 4 stars; one submission).

Allele frequency attached by ClinVar (database versions not stated): gnomAD exomes below 0.00001.
gnomAD v4.1: 3 of 1,612,504 alleles (0.00019%); highest among the groups gnomAD compares: Non-Finnish European, 0.00025%; no homozygotes.

Submission:

Labcorp Genetics (formerly Invitae), Labcorp
Classification: Pathogenic. Last evaluated: 2019-04-27. Review status: criteria provided, single submitter. Criteria: Invitae Variant Classification Sherloc (09022015). Collection method: clinical testing. Allele origin: germline.
Comment: Loss-of-function variants in COL27A1 are known to be pathogenic (PMID: 24986830, 28276056). This variant has not been reported in the literature in individuals with COL27A1-related conditions. This variant is not present in population databases (ExAC no frequency). This sequence change creates a premature translational stop signal (p.Gly937*) in the COL27A1 gene. It is expected to result in an absent or disrupted protein product. For these reasons, this variant has been classified as Pathogenic.

Literature cited by the submitters: PubMed 24986830; PubMed 28276056.

NM_032888.4(COL27A1):c.2809G>T (p.Gly937Ter)

Gene: COL27A1 (collagen type XXVII alpha 1 chain; plus strand). Cytogenetic location: 9q32.
Variant type: single nucleotide variant.
Coding change: c.2809G>T on transcript NM_032888.4 (MANE Select); coding-DNA position 2809, G replaced by T.
Protein change: p.Gly937Ter; replaces glycine 937 with a stop codon.
Molecular consequence: nonsense.
Genome position (GRCh38, 1-based): chr9:114,240,461, G>T. VCF-style: chr9-114240461-G-T. GRCh37 (hg19) VCF-style: chr9-117002741-G-T.
Other names: short protein forms G937*.
Identifiers: ClinVar variation 947142 (VCV000947142.7), dbSNP rs1832681636, ClinGen allele CA374591140.